The following is an entry in ClinVar:

ClinVar aggregate classification (germline): Uncertain significance (1 of 4 stars; one submission).

Conditions:
Acrodysostosis 2 with or without hormone resistance. Also called: ACRODYSOSTOSIS 2 WITHOUT HORMONE RESISTANCE; ACRODYSOSTOSIS 2 WITH HORMONE RESISTANCE. Identifiers: Orphanet 280651, MedGen C3553250, MONDO:0013822, OMIM 614613.

Submission:

Illumina Laboratory Services, Illumina
Classification: Uncertain significance for Acrodysostosis 2 with or without hormone resistance. Last evaluated: 2020-08-20. Review status: criteria provided, single submitter. Criteria: ICSLVariantClassificationCriteria RUGD 01 April 2020. Collection method: clinical testing. Allele origin: unknown.
Comment: The PDE4D c.1774A>C (p.Lys592Gln) variant is a missense variant. A literature search was performed for the gene, cDNA change, and amino acid change. No publications were found based on this search. This variant is not found in the Genome Aggregation Database in a region of good sequence coverage, so the variant is presumed to be rare. Based on the limited evidence, the p.Lys592Gln variant is classified as a variant of uncertain significance for acrodysostosis type 2.

NM_001104631.2(PDE4D):c.1774A>C (p.Lys592Gln)

Gene: PDE4D (phosphodiesterase 4D; minus strand). Cytogenetic location: 5q11.2.
Variant type: single nucleotide variant.
Coding change: c.1774A>C on transcript NM_001104631.2 (MANE Select); coding-DNA position 1774, A replaced by C.
Protein change: p.Lys592Gln; replaces lysine 592 with glutamine.
Molecular consequence: missense variant.
Genome position (GRCh38, 1-based): chr5:58,976,406, T>G on the plus strand (A>C on the coding strand, the complement: PDE4D is on the minus strand). VCF-style: chr5-58976406-T-G. GRCh37 (hg19) VCF-style: chr5-58272233-T-G.
Other names: c.1591A>C, p.Lys531Gln (NM_001165899.2, NM_001364599.1); c.1582A>C, p.Lys528Gln (NM_001197218.2); c.1408A>C, p.Lys470Gln (NM_001197219.2); c.1384A>C, p.Lys462Gln (NM_001197220.2); c.868A>C, p.Lys290Gln (NM_001197221.2, NM_001364603.1); c.1102A>C, p.Lys368Gln (NM_001197222.2); c.901A>C, p.Lys301Gln (NM_001197223.2); c.1561A>C, p.Lys521Gln (NM_001349241.2); and 3 more; short protein forms K290Q, K301Q, K336Q, K368Q, K456Q, K462Q, K470Q, K482Q.
Identifiers: ClinVar variation 989239 (VCV000989239.4), dbSNP rs1743815247, ClinGen allele CA359814764.
Genomic context (GRCh38, chr5:58,976,406, plus strand): 5'-TTACCTGAATCCTATCGGAATAATTATCAAGAAGAAGAACTCCAGAGCTTGTCACTTTCT[T>G]AGTTTCAACCATAGTCTTCAAATCAGCCAGTAGATTCATGTGTTTTGACATATCTGTTGC-3'
Protein context (NP_001098101.1, residues 582-602): LADLKTMVET[Lys592Gln]KVTSSGVLLL